The following is an entry in ClinVar:

ClinVar aggregate classification (germline): Uncertain significance (1 of 4 stars; one submission).

Conditions:
Autosomal dominant Parkinson disease 8. Also called: LRRK2-Related Parkinson Disease; Parkinson disease 8; Parkinson disease 8, susceptibility to. Identifiers: Orphanet 411602, MedGen C1846862, MONDO:0011764, OMIM 607060.

Submission:

Labcorp Genetics (formerly Invitae), Labcorp
Classification: Uncertain significance for Autosomal dominant Parkinson disease 8. Last evaluated: 2024-05-29. Review status: criteria provided, single submitter. Criteria: Invitae Variant Classification Sherloc (09022015). Collection method: clinical testing. Allele origin: germline.
Comment: This sequence change affects an acceptor splice site in intron 35 of the LRRK2 gene. It is expected to disrupt RNA splicing. Variants that disrupt the donor or acceptor splice site typically lead to a loss of protein function (PMID: 16199547), however the current clinical and genetic evidence is not sufficient to establish whether loss-of-function variants in LRRK2 cause disease. This variant is not present in population databases (gnomAD no frequency). This variant has not been reported in the literature in individuals affected with LRRK2-related conditions. Algorithms developed to predict the effect of sequence changes on RNA splicing suggest that this variant may disrupt the consensus splice site. In summary, the available evidence is currently insufficient to determine the role of this variant in disease. Therefore, it has been classified as a Variant of Uncertain Significance.

Literature cited by the submitters: PubMed 16199547.

NM_198578.4(LRRK2):c.5171-2A>T

Gene: LRRK2 (leucine rich repeat kinase 2; plus strand). Cytogenetic location: 12q12.
Variant type: single nucleotide variant.
Coding change: c.5171-2A>T on transcript NM_198578.4 (MANE Select); the canonical splice acceptor site of the intron before coding-DNA position 5171, A replaced by T.
Molecular consequence: splice acceptor variant.
Genome position (GRCh38, 1-based): chr12:40,322,033, A>T. VCF-style: chr12-40322033-A-T. GRCh37 (hg19) VCF-style: chr12-40715835-A-T.
Identifiers: ClinVar variation 3654182 (VCV003654182.2).
Genomic context (GRCh38, chr12:40,322,033, plus strand): 5'-TGCAGTAGATTTTTTCCCTTTAACTTAGGAAGCAGTTAATAATTAATGGCTCCATTTTTT[A>T]GAACGAGCACTTCGCCCAAACAGAATGTATTGGCGACAAGGCATTTACTTAAATTGGTCT-3'